The following is an entry in ClinVar:

NM_020717.5(SHROOM4):c.775C>A (p.Gln259Lys)

Gene: SHROOM4 (shroom family member 4; minus strand). Cytogenetic location: Xp11.22.
Variant type: single nucleotide variant.
Coding change: c.775C>A on transcript NM_020717.5 (MANE Select); coding-DNA position 775, C replaced by A.
Protein change: p.Gln259Lys; replaces glutamine 259 with lysine.
Molecular consequence: missense variant. On other transcripts: non-coding transcript variant (4).
Genome position (GRCh38, 1-based): chrX:50,635,298, G>T on the plus strand (C>A on the coding strand, the complement: SHROOM4 is on the minus strand). VCF-style: chrX-50635298-G-T. GRCh37 (hg19) VCF-style: chrX-50378298-G-T.
Other names: short protein forms Q259K.
Identifiers: ClinVar variation 1029775 (VCV001029775.6), dbSNP rs373402338, ClinGen allele CA10416320.

ClinVar aggregate classification (germline): Uncertain significance. Review status: criteria provided, multiple submitters, no conflicts (2 of 4 stars). 4 submissions from 4 submitters: Uncertain significance (4). Last evaluated 2024-09-25.

Conditions:
Intellectual developmental disorder, X-linked, syndromic, Stocco dos Santos type. Also called: STOCCO DOS SANTOS X-LINKED MENTAL RETARDATION SYNDROME; Stocco dos Santos syndrome; X-linked intellectual disability, Stocco dos Santos type. Identifiers: Orphanet 85288, MedGen C1845530, MONDO:0010325, OMIM 300434.

Allele frequency attached by ClinVar (database versions not stated): ExAC 0.00004; gnomAD 0.00004; gnomAD exomes 0.00006 and 0.00003; ESP Exome Variant Server 0.00009; TOPMed 0.00004.
gnomAD v4.1: 70 of 1,199,428 alleles (0.0058%); highest among the groups gnomAD compares: Non-Finnish European, 0.0072%; no homozygotes.

Submissions (4):

Blueprint Genetics
Classification: Uncertain significance. Last evaluated: 2024-09-25. Review status: criteria provided, single submitter. Criteria: ACMG Guidelines, 2015. Collection method: clinical testing. Allele origin: germline.

Ambry Genetics
Classification: Uncertain significance. Last evaluated: 2021-09-01. Review status: criteria provided, single submitter. Criteria: Ambry Variant Classification Scheme 2023. Collection method: clinical testing. Allele origin: germline.

Baylor Genetics
Classification: Uncertain significance for Intellectual developmental disorder, X-linked, syndromic, Stocco dos Santos type. Last evaluated: 2019-02-01. Review status: criteria provided, single submitter. Criteria: ACMG Guidelines, 2015. Collection method: clinical testing. Allele origin: unknown. Affected: yes.
Comment: This variant was determined to be of uncertain significance according to ACMG Guidelines, 2015 [PMID:25741868].

Daryl Scott Lab, Baylor College of Medicine
Classification: Uncertain significance for Intellectual developmental disorder, X-linked, syndromic, Stocco dos Santos type. Review status: criteria provided, single submitter. Criteria: ACMG Guidelines, 2015. Collection method: clinical testing. Allele origin: unknown. Affected: yes. Observed: 1 heterozygote.
Comment: BS2